The following is an entry in ClinVar:

NM_000400.4(ERCC2):c.294G>C (p.Glu98Asp)

Gene: ERCC2 (ERCC excision repair 2, TFIIH core complex helicase subunit; minus strand). Cytogenetic location: 19q13.32.
Variant type: single nucleotide variant.
Coding change: c.294G>C on transcript NM_000400.4 (MANE Select); coding-DNA position 294, G replaced by C.
Protein change: p.Glu98Asp; replaces glutamic acid 98 with aspartic acid.
Molecular consequence: missense variant.
Genome position (GRCh38, 1-based): chr19:45,368,696, C>G on the plus strand (G>C on the coding strand, the complement: ERCC2 is on the minus strand). VCF-style: chr19-45368696-C-G. GRCh37 (hg19) VCF-style: chr19-45871954-C-G.
Other names: c.222G>C, p.Glu74Asp (NM_001130867.2); short protein forms E98D, E74D.
Identifiers: ClinVar variation 134113 (VCV000134113.12), dbSNP rs145947678, ClinGen allele CA158806.

ClinVar aggregate classification (germline): Benign/Likely benign. Review status: criteria provided, multiple submitters, no conflicts (2 of 4 stars). 3 submissions from 3 submitters: Benign (1); Likely benign (1). 1 of the submissions does not count toward it. Last evaluated 2026-01-25.

Conditions:
Xeroderma pigmentosum (XP). Identifiers: Orphanet 910, MedGen C0043346, MONDO:0019600.

Allele frequency attached by ClinVar (database versions not stated): gnomAD 0.00002 and 0.00015; TOPMed 0.00003; ESP Exome Variant Server 0.00008; gnomAD exomes 0.00023 and 0.00041; 1000 Genomes Project 30x 0.00047; 1000 Genomes Project 0.00060; ExAC 0.00060.
gnomAD v4.1: 346 of 1,614,104 alleles (0.021%); highest among the groups gnomAD compares: South Asian, 0.37%; 4 homozygotes.

Submissions (3):

Labcorp Genetics (formerly Invitae), Labcorp
Classification: Benign. Last evaluated: 2026-01-25. Review status: criteria provided, single submitter. Criteria: Invitae Variant Classification Sherloc (09022015). Collection method: clinical testing. Allele origin: germline.

Sema4
Classification: Likely benign for Xeroderma pigmentosum. Last evaluated: 2021-12-20. Review status: criteria provided, single submitter. Criteria: Sema4 Curation Guidelines. Collection method: curation. Allele origin: germline.

ITMI
No classification provided. Condition: AllHighlyPenetrant. Last evaluated: 2013-09-19. Review status: no classification provided. Collection method: reference population. Allele origin: germline. Not counted in ClinVar's aggregate classification.
Comment: Please see associated publication for description of ethnicities

Literature cited by the submitters: PubMed 24728327 (cited by ITMI).